The following is an entry in ClinVar:

NM_002834.5(PTPN11):c.417G>C (p.Glu139Asp)

Gene: PTPN11 (protein tyrosine phosphatase non-receptor type 11; plus strand). Cytogenetic location: 12q24.13.
Variant type: single nucleotide variant.
Coding change: c.417G>C on transcript NM_002834.5 (MANE Select); coding-DNA position 417, G replaced by C.
Protein change: p.Glu139Asp; replaces glutamic acid 139 with aspartic acid.
Molecular consequence: missense variant.
Genome position (GRCh38, 1-based): chr12:112,453,279, G>C. VCF-style: chr12-112453279-G-C. GRCh37 (hg19) VCF-style: chr12-112891083-G-C.
Other names: p.E139D:GAG>GAC; NM_002834.4(PTPN11):c.417G>C; c.417G>C (NM_001330437.1); c.417G>C, p.Glu139Asp (NM_001330437.2, NM_080601.3); c.414G>C, p.Glu138Asp (NM_001374625.1); short protein forms E139D, E138D.
Identifiers: ClinVar variation 40513 (VCV000040513.104), dbSNP rs397507520, ClinGen allele CA177671.

ClinVar aggregate classification (germline): Pathogenic. Review status: reviewed by expert panel (3 of 4 stars). 50 submissions from 47 submitters: Pathogenic (1). 49 of the submissions do not count toward it. Last evaluated 2017-04-03.

Conditions:
Noonan syndrome and Noonan-related syndrome. Identifiers: Orphanet 98733, MedGen C5681679, MONDO:0020297.
Ptosis. Also called: Ptosis (disease). Identifiers: MedGen C0005745, MONDO:0000728, HP:0000508.
Global developmental delay (DD). Also called: Cognitive delay. Identifiers: MedGen C0557874, HP:0001263. Disease mechanism: loss of function.
Pectus excavatum. Also called: funnel chest. Identifiers: MedGen C2051831, MONDO:0008213, OMIM 169300, HP:0000767.
Brachycephaly. Identifiers: Orphanet 35099, MedGen C0221356, HP:0000248.
Microcephaly. Also called: Microcephaly (disease). Identifiers: MedGen C4551563, MONDO:0001149, HP:0000252.
PTPN11-related disorder. Also called: PTPN11-Related Disorders.
Cardiovascular phenotype. Identifiers: MedGen CN230736.
Metachondromatosis (METCDS). Identifiers: Orphanet 2499, MedGen C0410530, MONDO:0007979, OMIM 156250.
Noonan syndrome 1 (NS1). Also called: TURNER PHENOTYPE WITH NORMAL KARYOTYPE; PTPN11-Related Noonan Syndrome; FEMALE PSEUDO-TURNER SYNDROME. Identifiers: Orphanet 648, MedGen C4551602, MONDO:0008104, OMIM 163950. Disease mechanism: gain of function.
LEOPARD syndrome 1 (LPRD1). Also called: LENTIGINOSIS, CARDIOMYOPATHIC; MULTIPLE LENTIGINES SYNDROME; PTPN11-Related LEOPARD Syndrome. Identifiers: Orphanet 500, MedGen C4551484, MONDO:0100082, OMIM 151100.
Juvenile myelomonocytic leukemia (JMML). Also called: LEUKEMIA, JUVENILE MYELOMONOCYTIC, SOMATIC. Identifiers: Orphanet 86834, MedGen C0349639, MONDO:0011908, OMIM 607785, HP:0012209.
RASopathy. Also called: rasopathies; Noonan spectrum disorder. Identifiers: Orphanet 536391, MedGen C5555857, MONDO:0021060.
Noonan syndrome (NS). Also called: Noonan's syndrome. Identifiers: Orphanet 648, MedGen C0028326, MeSH D009634, MONDO:0018997. Disease mechanism: gain of function.
Noonan syndrome 3 (NS3). Also called: KRAS-Related Noonan Syndrome. Identifiers: Orphanet 648, MedGen C1860991, MONDO:0012371, OMIM 609942.
Hypertrophic cardiomyopathy. Also called: HYPERTROPHIC MYOCARDIOPATHY. Identifiers: Orphanet 217569, MedGen C0007194, MeSH D002312, MONDO:0005045, HP:0001639.

Allele frequency attached by ClinVar (database versions not stated): gnomAD exomes below 0.00001.

Submissions 1 to 7 of 50:

ClinGen RASopathy Variant Curation Expert Panel
Classification: Pathogenic for Noonan syndrome. Last evaluated: 2017-04-03. Review status: reviewed by expert panel. Criteria: ClinGen RASopathy ACMG Specifications v1. Collection method: curation. Allele origin: germline. Inheritance: Autosomal dominant inheritance.
Comment: The c.417G>C (p.Glu139Asp) variant in PTPN11 has been reported as a confirmed de novo occurrence in at least 2 patients and at least 5 other independent occurrences in patients with clinical features of a RASopathy (PS2_VeryStrong; PS4; GeneDx, Baylor, BC Children's internal data; SCV000057396.11, SCV000196664.1, SCV000803709.1; GTR Lab ID: 26957, 1006, 249401 PMID: 22315187, 17020470, 11992261). This variant was absent from large population studies (PM2; ExAC). In vitro functional studies provide some evidence that the p.Glu139Asp variant may impact protein function (PS3; PMID: 23584145, 15987685, 18372317). The variant is located in the PTPN11 gene, which has been defined by the ClinGen RASopathy Expert Panel as a gene with a low rate of benign missense variants and pathogenic missense variants are common (PP2; PMID: 29493581). Computational prediction tools and conservation analysis suggest that the c.417G>C (p.Glu139Asp) variant may impact the protein (PP3). In summary, this variant meets criteria to be classified as pathogenic for RASopathies in an autosomal dominant manner. Rasopathy-specific ACMG/AMP criteria applied (PMID:29493581): PS2_VeryStrong, PS3, PS4, PM2, PP2, PP3.

Institute of Human Genetics, Heidelberg University
Classification: Pathogenic for Noonan syndrome 1. Last evaluated: 2026-02-20. Review status: criteria provided, single submitter. Criteria: ACMG Guidelines, 2015. Collection method: clinical testing. Allele origin: de novo. Affected: yes. Observed: 1 variant allele. Not counted in ClinVar's aggregate classification.
Comment: PS2_vs, PM2_supp, PP3_supp, PP2_supp, PS1_str, PS4_mod, PS3_str

3billion
Classification: Pathogenic for Noonan syndrome 1. Last evaluated: 2026-01-29. Review status: criteria provided, single submitter. Criteria: ACMG Guidelines, 2015. Collection method: clinical testing. Allele origin: germline. Affected: yes. Not counted in ClinVar's aggregate classification.
Comment: The variant is observed at an extremely low frequency in the gnomAD v4.1.0 dataset (total allele frequency: <0.001%). Predicted Consequence/Location: Missense variant Functional studies provide strong evidence of the variant having a damaging effect on the gene or gene product (PMID: 15987685, 18372317, 23584145). In silico tool predictions suggest damaging effect of the variant on gene or gene product [REVEL: 0.77 (>=0.6, sensitivity 0.68 and specificity 0.92); 3Cnet: 0.93 (> 0.75, sensitivity 0.96 and precision 0.92)]. The same nucleotide change resulting in the same amino acid change has been previously reported as pathogenic/likely pathogenic with strong evidence (ClinVar ID: VCV000040513 /PMID: 11992261 /3billion dataset). The variant has been previously reported as de novo in at least two similarly affected unrelated individuals (PMID: 11992261, 17020470, 22315187). The variant has been observed in multiple (>3) similarly affected unrelated individuals (PMID: 11992261, 17020470, 22315187). A different missense change at the same codon (p.Glu139Gly) has been reported to be associated with PTPN11-related disorder (ClinVar ID: VCV002095543). Therefore, this variant is classified as Pathogenic according to the recommendation of ACMG/AMP guideline.

Variantyx, Inc.
Classification: Pathogenic for Noonan syndrome 1. Last evaluated: 2025-12-25. Review status: criteria provided, single submitter. Criteria: Variantyx Assertion Criteria 2022. Collection method: clinical testing. Allele origin: germline. Inheritance: Autosomal dominant inheritance. Affected: yes. Not counted in ClinVar's aggregate classification.
Comment: This is a nonsynonymous variant in the PTPN11 gene (OMIM: 176876). Pathogenic variants in this gene have been associated with autosomal dominant Noonan syndrome 1. This variant has been reported in at least 2 affected individuals (PMID: 17020470) (PS4). Functional studies have shown that this variant alters PTPN11 protein function (PMID: 15987685, 18372317, 24628801, 23584145) (PS3) and multiple computational algorithms predict a deleterious effect for this variant (REVEL score: 0.769) (PP3). This variant has a 0.0001% maximum allele frequency in non-founder control populations. Other reputable laboratories have reported this variant as pathogenic and this classification has been validated by an expert panel in ClinVar. Based on the evidence, this variant is classified as pathogenic for autosomal dominant Noonan syndrome 1.

Labcorp Genetics (formerly Invitae), Labcorp
Classification: Pathogenic for RASopathy. Last evaluated: 2025-12-22. Review status: criteria provided, single submitter. Criteria: Invitae Variant Classification Sherloc (09022015). Collection method: clinical testing. Allele origin: germline. Not counted in ClinVar's aggregate classification.
Comment: This sequence change replaces glutamic acid, which is acidic and polar, with aspartic acid, which is acidic and polar, at codon 139 of the PTPN11 protein (p.Glu139Asp). This variant is not present in population databases (gnomAD no frequency). This missense change has been observed in individuals with Noonan syndrome (PMID: 11992261, 17339163, 19020799, 22315187). ClinVar contains an entry for this variant (Variation ID: 40513). Invitae Evidence Modeling of protein sequence and biophysical properties (such as structural, functional, and spatial information, amino acid conservation, physicochemical variation, residue mobility, and thermodynamic stability) has been performed for this missense variant. However, the output from this modeling did not meet the statistical confidence thresholds required to predict the impact of this variant on PTPN11 protein function. Experimental studies have shown that this missense change affects PTPN11 function (PMID: 15987685, 18372317, 23584145, 24628801). For these reasons, this variant has been classified as Pathogenic.

PreventionGenetics, part of Exact Sciences
Classification: Pathogenic for PTPN11-related condition. Last evaluated: 2025-08-04. Review status: criteria provided, single submitter. Criteria: ACMG Guidelines, 2015. Collection method: clinical testing. Allele origin: germline. Not counted in ClinVar's aggregate classification.
Comment: The PTPN11 c.417G>C variant is predicted to result in the amino acid substitution p.Glu139Asp. This variant has been reported in multiple individuals with Noonan syndrome (see for example Tartaglia et al. 2002. PubMed ID: 11992261). At PreventionGenetics, we previously detected it in several other patients with Noonan spectrum disorders. Functional studies demonstrate that this variant results in increased release of phosphate compared to wild type, consistent with a gain-of-function mechanism, resulting in hyperactivation of the RAS pathway (Keilhack et al. 2005. PubMed ID: 15987685; Martinelli et al. 2008. PubMed ID: 18372317; Edouard. 2010. PubMed ID: 20308328). This variant has not been reported in a large population database, indicating this variant is rare. This variant has been interpreted as pathogenic by multiple clinical laboratories in the ClinVar database. Additionally, a different nucleotide substitution (c.417G>T) resulting in the same amino acid substitution has been reported in multiple individuals with Noonan syndrome (Human Gene Mutation Database). Based on the available evidence, we consider the c.417G>C (p.Glu139Asp) variant to be pathogenic.

Institute of Human Genetics, University of Leipzig Medical Center
Classification: Pathogenic for Noonan syndrome 1. Last evaluated: 2025-03-19. Review status: criteria provided, single submitter. Criteria: ACMG Guidelines, 2015. Collection method: clinical testing. Allele origin: unknown. Inheritance: Autosomal dominant inheritance. Affected: yes. Not counted in ClinVar's aggregate classification.
Comment: Criteria applied: PS2_VSTR,PS1,PS3,PS4,PM2_SUP,PP2,PP3